The following is an entry in ClinVar:

ClinVar aggregate classification (germline): Benign. Review status: criteria provided, single submitter (1 of 4 stars). 2 submissions from 2 submitters: Benign (1). 1 of the submissions does not count toward it. Last evaluated 2025-01-02.

Conditions:
FASN-related disorder. Also called: FASN-related condition.
Epileptic encephalopathy. Identifiers: MedGen C0543888, HP:0200134.

Allele frequency attached by ClinVar (database versions not stated): gnomAD 0.00008 and 0.00009; TOPMed 0.00025; 1000 Genomes Project 0.00040; 1000 Genomes Project 30x 0.00047.
gnomAD v4.1: 149 of 1,610,272 alleles (0.0093%); highest among the groups gnomAD compares: East Asian, 0.17%; 1 homozygote.

Submissions (2):

Labcorp Genetics (formerly Invitae), Labcorp
Classification: Benign for Epileptic encephalopathy. Last evaluated: 2025-01-02. Review status: criteria provided, single submitter. Criteria: Invitae Variant Classification Sherloc (09022015). Collection method: clinical testing. Allele origin: germline.

PreventionGenetics, part of Exact Sciences
Classification: Likely benign for FASN-related condition. Last evaluated: 2019-04-01. Review status: no assertion criteria provided. Collection method: clinical testing. Allele origin: germline. Not counted in ClinVar's aggregate classification.
Comment: This variant is classified as likely benign based on ACMG/AMP sequence variant interpretation guidelines (Richards et al. 2015 PMID: 25741868, with internal and published modifications).

NM_004104.5(FASN):c.4128G>A (p.Ala1376=)

Gene: FASN (fatty acid synthase; minus strand). Cytogenetic location: 17q25.3.
Variant type: single nucleotide variant.
Coding change: c.4128G>A on transcript NM_004104.5 (MANE Select); coding-DNA position 4128, G replaced by A.
Protein change: p.Ala1376=; no amino-acid change (alanine 1376 retained).
Molecular consequence: synonymous variant.
Genome position (GRCh38, 1-based): chr17:82,085,397, C>T on the plus strand (G>A on the coding strand, the complement: FASN is on the minus strand). VCF-style: chr17-82085397-C-T. GRCh37 (hg19) VCF-style: chr17-80043273-C-T.
Identifiers: ClinVar variation 531140 (VCV000531140.14), dbSNP rs201599707, ClinGen allele CA8852174.